The following is an entry in ClinVar:

NM_003611.3(OFD1):c.2379G>A (p.Gln793=)

Gene: OFD1 (OFD1 centriole and centriolar satellite protein; plus strand). Cytogenetic location: Xp22.2.
Variant type: single nucleotide variant.
Coding change: c.2379G>A on transcript NM_003611.3 (MANE Select); coding-DNA position 2379, G replaced by A.
Protein change: p.Gln793=; no amino-acid change (glutamine 793 retained).
Molecular consequence: synonymous variant.
Genome position (GRCh38, 1-based): chrX:13,761,203, G>A. VCF-style: chrX-13761203-G-A. GRCh37 (hg19) VCF-style: chrX-13779322-G-A.
Other names: c.2259G>A, p.Gln753= (NM_001330209.2, NM_001440948.1); c.1959G>A, p.Gln653= (NM_001330210.2); c.2379G>A, p.Gln793= (NM_001440947.1).
Identifiers: ClinVar variation 4891096 (VCV004891096.1).

ClinVar aggregate classification (germline): Uncertain significance (1 of 4 stars; one submission).

Submission:

Greenwood Genetic Center Diagnostic Laboratories, Greenwood Genetic Center
Classification: Uncertain significance. Last evaluated: 2026-05-20. Review status: criteria provided, single submitter. Criteria: ACMG Guidelines, 2015. Collection method: clinical testing. Allele origin: germline.
Comment: PM2, BP4, PP2